The following is an entry in ClinVar:

ClinVar aggregate classification (germline): Uncertain significance (1 of 4 stars; one submission).

Conditions:
Aortic aneurysm, familial thoracic 6 (AAT6). Also called: FAMILIAL THORACIC AORTIC ANEURYSM WITH LIVEDO RETICULARIS AND IRIS FLOCCULI. Identifiers: MedGen C2673186, MONDO:0012730, OMIM 611788.

Submission:

Labcorp Genetics (formerly Invitae), Labcorp
Classification: Uncertain significance for Aortic aneurysm, familial thoracic 6. Last evaluated: 2024-11-12. Review status: criteria provided, single submitter. Criteria: Invitae Variant Classification Sherloc (09022015). Collection method: clinical testing. Allele origin: germline.
Comment: This sequence change replaces glutamine, which is neutral and polar, with arginine, which is basic and polar, at codon 265 of the ACTA2 protein (p.Gln265Arg). This variant is not present in population databases (gnomAD no frequency). This variant has not been reported in the literature in individuals affected with ACTA2-related conditions. Invitae Evidence Modeling of protein sequence and biophysical properties (such as structural, functional, and spatial information, amino acid conservation, physicochemical variation, residue mobility, and thermodynamic stability) indicates that this missense variant is not expected to disrupt ACTA2 protein function with a negative predictive value of 80%. In summary, the available evidence is currently insufficient to determine the role of this variant in disease. Therefore, it has been classified as a Variant of Uncertain Significance.

NM_001613.4(ACTA2):c.794A>G (p.Gln265Arg)

Genes: ACTA2-AS1 (ACTA2 antisense RNA 1; plus strand), ACTA2 (actin alpha 2, smooth muscle; minus strand). Cytogenetic location: 10q23.31.
Variant type: single nucleotide variant.
Coding change: c.794A>G on transcript NM_001613.4 (MANE Select); coding-DNA position 794, A replaced by G.
Protein change: p.Gln265Arg; replaces glutamine 265 with arginine.
Molecular consequence: missense variant. On other transcripts: non-coding transcript variant (1), intron variant (1).
Genome position (GRCh38, 1-based): chr10:88,939,521, T>C on the plus strand (A>G on the coding strand, the complement: ACTA2 is on the minus strand). VCF-style: chr10-88939521-T-C. GRCh37 (hg19) VCF-style: chr10-90699278-T-C.
Other names: c.794A>G, p.Gln265Arg (NM_001141945.3, NM_001320855.2, NM_001406462.1 and 2 more transcripts); c.683A>G, p.Gln228Arg (NM_001406466.1); c.665A>G, p.Gln222Arg (NM_001406467.1, NM_001406468.1, NM_001406469.1); c.617-1279A>G (NM_001406471.1); short protein forms Q222R, Q265R, Q228R.
Identifiers: ClinVar variation 3715526 (VCV003715526.2).